The following is an entry in ClinVar:

ClinVar aggregate classification (germline): Uncertain significance. Review status: criteria provided, multiple submitters, no conflicts (2 of 4 stars). 2 submissions from 2 submitters: Uncertain significance (2). Last evaluated 2026-06-26.

Conditions:
Hereditary cancer-predisposing syndrome. Also called: Hereditary Cancer Syndrome; Neoplastic Syndromes, Hereditary; Hereditary neoplastic syndrome; Tumor predisposition. Identifiers: Orphanet 140162, MedGen C0027672, MeSH D009386, MONDO:0015356.

Submissions (2):

Ambry Genetics
Classification: Uncertain significance for Hereditary cancer-predisposing syndrome. Last evaluated: 2026-06-26. Review status: criteria provided, single submitter. Criteria: Ambry Variant Classification Scheme 2023. Collection method: clinical testing. Allele origin: germline.
Comment: The p.R43L variant (also known as c.128G>T), located in coding exon 1 of the FH gene, results from a G to T substitution at nucleotide position 128. The arginine at codon 43 is replaced by leucine, an amino acid with dissimilar properties. This amino acid position is conserved. In addition, the in silico prediction for this alteration is inconclusive. Based on the available evidence, the clinical significance of this variant remains unclear.

Labcorp Genetics (formerly Invitae), Labcorp
Classification: Uncertain significance. Last evaluated: 2021-09-26. Review status: criteria provided, single submitter. Criteria: Invitae Variant Classification Sherloc (09022015). Collection method: clinical testing. Allele origin: germline.
Comment: Advanced modeling of protein sequence and biophysical properties (such as structural, functional, and spatial information, amino acid conservation, physicochemical variation, residue mobility, and thermodynamic stability) performed at Invitae indicates that this missense variant is not expected to disrupt FH protein function. In summary, the available evidence is currently insufficient to determine the role of this variant in disease. Therefore, it has been classified as a Variant of Uncertain Significance. This variant has not been reported in the literature in individuals affected with FH-related conditions. The frequency data for this variant in the population databases is considered unreliable, as metrics indicate insufficient coverage at this position in the ExAC database. This sequence change replaces arginine with leucine at codon 43 of the FH protein (p.Arg43Leu). The arginine residue is moderately conserved and there is a moderate physicochemical difference between arginine and leucine.

NM_000143.4(FH):c.128G>T (p.Arg43Leu)

Gene: FH (fumarate hydratase; minus strand). Cytogenetic location: 1q43.
Variant type: single nucleotide variant.
Coding change: c.128G>T on transcript NM_000143.4 (MANE Select); coding-DNA position 128, G replaced by T.
Protein change: p.Arg43Leu; replaces arginine 43 with leucine.
Molecular consequence: missense variant.
Genome position (GRCh38, 1-based): chr1:241,519,595, C>A on the plus strand (G>T on the coding strand, the complement: FH is on the minus strand). VCF-style: chr1-241519595-C-A. GRCh37 (hg19) VCF-style: chr1-241682895-C-A.
Other names: c.128G>T (NM_000143.3); short protein forms R43L.
Identifiers: ClinVar variation 1383401 (VCV001383401.7), dbSNP rs2147926825, ClinGen allele CA345442622.